The following is an entry in ClinVar:

NM_182894.3(VSX2):c.299C>A (p.Pro100Gln)

Gene: VSX2 (visual system homeobox 2; plus strand). Cytogenetic location: 14q24.3.
Variant type: single nucleotide variant.
Coding change: c.299C>A on transcript NM_182894.3 (MANE Select); coding-DNA position 299, C replaced by A.
Protein change: p.Pro100Gln; replaces proline 100 with glutamine.
Molecular consequence: missense variant.
Genome position (GRCh38, 1-based): chr14:74,239,860, C>A. VCF-style: chr14-74239860-C-A. GRCh37 (hg19) VCF-style: chr14-74706563-C-A.
Other names: short protein forms P100Q.
Identifiers: ClinVar variation 167839 (VCV000167839.21), dbSNP rs35214083, ClinGen allele CA180493.
Genomic context (GRCh38, chr14:74,239,860, plus strand): 5'-GGCCCGGGGGGCTCCCTGGCTTCTACACGCAGCCCACCTTCCTGGAAGTGCTGTCCGACC[C>A]GCAGAGCGTCCACTTGCAGCCATTGGGCAGAGCATCGGGGCCGCTGGACACCAGCCAGAC-3'
Protein context (NP_878314.1, residues 90-110): QPTFLEVLSD[Pro100Gln]QSVHLQPLGR

ClinVar aggregate classification (germline): Conflicting classifications of pathogenicity. Review status: criteria provided, conflicting classifications (1 of 4 stars). 6 submissions from 5 submitters: Uncertain significance (1); Benign (3); Likely benign (1). 1 of the submissions does not count toward it. Last evaluated 2026-01-26.

Conditions:
Microphthalmia. Also called: Microphthalmos. Identifiers: MedGen C0026010, MONDO:0021129, HP:0000568.
Isolated microphthalmia 2. Identifiers: Orphanet 2542, MedGen C1864720, MONDO:0012409, OMIM 610093.
Microphthalmia, isolated, with coloboma 3 (MCOPCB3). Also called: MICROPHTHALMIA, COLOBOMATOUS, 3; MICROPHTHALMIA/COLOBOMA 3. Identifiers: Orphanet 98938, MedGen C1864721, MONDO:0012408, OMIM 610092.

Allele frequency attached by ClinVar (database versions not stated): ExAC 0.00241; gnomAD 0.00423 and 0.00448; TOPMed 0.00454; gnomAD exomes 0.00043 and 0.00099; ESP Exome Variant Server 0.00209; 1000 Genomes Project 0.00579; 1000 Genomes Project 30x 0.00578.
gnomAD v4.1: 1,299 of 1,577,558 alleles (0.082%); highest among the groups gnomAD compares: African/African-American, 1.5%; 18 homozygotes.

Submissions (6):

Labcorp Genetics (formerly Invitae), Labcorp
Classification: Benign for Isolated microphthalmia 2. Last evaluated: 2026-01-26. Review status: criteria provided, single submitter. Criteria: Invitae Variant Classification Sherloc (09022015). Collection method: clinical testing. Allele origin: germline.

GeneDx
Classification: Benign. Last evaluated: 2020-01-30. Review status: criteria provided, single submitter. Criteria: GeneDx Variant Classification Process June 2021. Collection method: clinical testing. Allele origin: germline. Affected: yes.

Illumina Laboratory Services, Illumina
Classification: Likely benign for Isolated microphthalmia 2. Last evaluated: 2018-01-13. Review status: criteria provided, single submitter. Criteria: ICSL Variant Classification Criteria 13 December 2019. Collection method: clinical testing. Allele origin: germline.
Comment: This variant was observed in the ICSL laboratory as part of a predisposition screen in an ostensibly healthy population. It had not been previously curated by ICSL or reported in the Human Gene Mutation Database (HGMD: prior to June 1st, 2018), and was therefore a candidate for classification through an automated scoring system. Utilizing variant allele frequency, disease prevalence and penetrance estimates, and inheritance mode, an automated score was calculated to assess if this variant is too frequent to cause the disease. Based on the score and internal cut-off values, a variant classified as likely benign is not then subjected to further curation. The score for this variant resulted in a classification of likely benign for this disease.

Illumina Laboratory Services, Illumina
Classification: Uncertain significance for Microphthalmia, isolated, with coloboma 3. Last evaluated: 2018-01-13. Review status: criteria provided, single submitter. Criteria: ICSL Variant Classification Criteria 13 December 2019. Collection method: clinical testing. Allele origin: germline.

Eurofins Ntd Llc (ga)
Classification: Benign. Last evaluated: 2014-04-24. Review status: criteria provided, single submitter. Criteria: EGL Classification Definitions 2015. Collection method: clinical testing. Allele origin: germline. Observed: 2 variant alleles, 2 heterozygotes.

Natera, Inc.
Classification: Benign for Microphthalmia. Last evaluated: 2020-09-16. Review status: no assertion criteria provided. Collection method: clinical testing. Allele origin: germline. Not counted in ClinVar's aggregate classification.